The following is an entry in ClinVar:

NM_001367943.1(TCF7L2):c.553-11276G>C

Gene: TCF7L2 (transcription factor 7 like 2; plus strand). Cytogenetic location: 10q25.3.
Variant type: single nucleotide variant.
Coding change: c.553-11276G>C on transcript NM_001367943.1 (MANE Select); 11276 bases into the intron before coding-DNA position 553, G replaced by C.
Molecular consequence: intron variant. On other transcripts: missense variant (1).
Genome position (GRCh38, 1-based): chr10:113,129,908, G>C. VCF-style: chr10-113129908-G-C. GRCh37 (hg19) VCF-style: chr10-114889667-G-C.
Other names: c.44G>C, p.Ser15Thr (NM_001349870.2); c.553-11276G>C (NM_001363501.2, NM_001146274.2, NM_001198531.2); c.625-11276G>C (NM_001146283.2); c.484-11276G>C (NM_001198525.2, NM_001198528.2, NM_030756.5 and 6 more transcripts); c.382-11276G>C (NM_001198530.2); c.3+3027G>C (NM_001349871.1); short protein forms S15T.
Identifiers: ClinVar variation 3356333 (VCV003356333.1).

ClinVar aggregate classification (germline): Uncertain significance (0 of 4 stars; one submission).

Conditions:
TCF7L2-related disorder. Also called: TCF7L2-related condition.

gnomAD v4.1: 1 of 1,293,704 alleles (0.000077%); highest among the groups gnomAD compares: African/African-American, 0.0015%; no homozygotes.

Submission:

PreventionGenetics, part of Exact Sciences
Classification: Uncertain significance for TCF7L2-related condition. Last evaluated: 2024-04-04. Review status: no assertion criteria provided. Collection method: clinical testing. Allele origin: germline.
Comment: The TCF7L2 c.44G>C variant is predicted to result in the amino acid substitution p.Ser15Thr. Of note, according to transcript NM_030756, this variant is a deep intronic variant (484-11276G>C) that is not predicted to impact splicing based on available splicing predication tools (SpliceAI, Jaganathan et al. 2019. PubMed ID: 30661751). To our knowledge, this variant has not been reported in the literature. This variant is reported in 0.014% of alleles in individuals of African descent in gnomAD. At this time, the clinical significance of this variant is uncertain due to the absence of conclusive functional and genetic evidence.